The following is an entry in ClinVar:

NM_183357.3(ADCY5):c.2845G>A (p.Val949Met)

Gene: ADCY5 (adenylate cyclase 5; minus strand). Cytogenetic location: 3q21.1.
Variant type: single nucleotide variant.
Coding change: c.2845G>A on transcript NM_183357.3 (MANE Select); coding-DNA position 2845, G replaced by A.
Protein change: p.Val949Met; replaces valine 949 with methionine.
Molecular consequence: missense variant.
Genome position (GRCh38, 1-based): chr3:123,300,175, C>T on the plus strand (G>A on the coding strand, the complement: ADCY5 is on the minus strand). VCF-style: chr3-123300175-C-T. GRCh37 (hg19) VCF-style: chr3-123019022-C-T.
Other names: c.1795G>A, p.Val599Met (NM_001199642.1); c.2845G>A, p.Val949Met (NM_001378259.1); c.2845G>A (NM_183357.2); short protein forms V599M, V949M.
Identifiers: ClinVar variation 1551720 (VCV001551720.36), dbSNP rs151227955, ClinGen allele CA2576976.

ClinVar aggregate classification (germline): Conflicting classifications of pathogenicity. Review status: criteria provided, conflicting classifications (1 of 4 stars). 3 submissions from 3 submitters: Uncertain significance (2); Likely benign (1). Last evaluated 2026-04-03.

Allele frequency attached by ClinVar (database versions not stated): gnomAD 0.00013; gnomAD exomes 0.00013; TOPMed 0.00014; ExAC 0.00015; ESP Exome Variant Server 0.00015.
gnomAD v4.1: 780 of 1,613,888 alleles (0.048%); highest among the groups gnomAD compares: Non-Finnish European, 0.063%; no homozygotes.

Submissions (3):

GeneDx
Classification: Uncertain significance. Last evaluated: 2026-04-03. Review status: criteria provided, single submitter. Criteria: GeneDx Variant Classification Process June 2021. Collection method: clinical testing. Allele origin: germline.
Comment: In silico analysis suggests that this missense variant does not alter protein structure/function; Has not been previously published as pathogenic or benign in association with a ADCY5-related movement disorder to our knowledge; This variant is associated with the following publications: (PMID: 27467583, 28719003, 26740555)

Labcorp Genetics (formerly Invitae), Labcorp
Classification: Likely benign. Last evaluated: 2023-11-13. Review status: criteria provided, single submitter. Criteria: Invitae Variant Classification Sherloc (09022015). Collection method: clinical testing. Allele origin: germline.

CeGaT Center for Human Genetics Tuebingen
Classification: Uncertain significance. Last evaluated: 2023-02-01. Review status: criteria provided, single submitter. Criteria: CeGaT Center For Human Genetics Tuebingen Variant Classification Criteria Version 2. Collection method: clinical testing. Allele origin: germline. Affected: yes. Observed: 1 variant allele.
Comment: ADCY5: PP2